The following is an entry in ClinVar:

ClinVar aggregate classification (germline): Uncertain significance (1 of 4 stars; one submission).

Submission:

GeneDx
Classification: Uncertain significance. Last evaluated: 2019-05-23. Review status: criteria provided, single submitter. Criteria: GeneDx Variant Classification Process June 2021. Collection method: clinical testing. Allele origin: germline. Affected: yes.
Comment: Not observed in large population cohorts (Lek et al., 2016); Has not been previously published as pathogenic or benign to our knowledge; In silico analysis, which includes protein predictors and evolutionary conservation, supports a deleterious effect

NM_020297.4(ABCC9):c.2708A>T (p.Asp903Val)

Gene: ABCC9 (ATP binding cassette subfamily C member 9; minus strand). Cytogenetic location: 12p12.1.
Variant type: single nucleotide variant.
Coding change: c.2708A>T on transcript NM_020297.4 (MANE Select); coding-DNA position 2708, A replaced by T.
Protein change: p.Asp903Val; replaces aspartic acid 903 with valine.
Molecular consequence: missense variant.
Genome position (GRCh38, 1-based): chr12:21,852,158, T>A on the plus strand (A>T on the coding strand, the complement: ABCC9 is on the minus strand). VCF-style: chr12-21852158-T-A. GRCh37 (hg19) VCF-style: chr12-22005092-T-A.
Other names: c.2708A>T, p.Asp903Val (NM_001377273.1, NM_005691.4); c.1841A>T, p.Asp614Val (NM_001377274.1); short protein forms D614V, D903V.
Identifiers: ClinVar variation 1306103 (VCV001306103.2), dbSNP rs2137441252, ClinGen allele CA384123839.